The following is an entry in ClinVar:

ClinVar aggregate classification (germline): Uncertain significance. Review status: criteria provided, multiple submitters, no conflicts (2 of 4 stars). 2 submissions from 2 submitters: Uncertain significance (2). Last evaluated 2025-05-05.

Conditions:
Hereditary cancer-predisposing syndrome. Also called: Hereditary neoplastic syndrome; Neoplastic Syndromes, Hereditary; Tumor predisposition; Hereditary Cancer Syndrome. Identifiers: Orphanet 140162, MedGen C0027672, MeSH D009386, MONDO:0015356.

Submissions (2):

Labcorp Genetics (formerly Invitae), Labcorp
Classification: Uncertain significance. Last evaluated: 2025-05-05. Review status: criteria provided, single submitter. Criteria: Invitae Variant Classification Sherloc (09022015). Collection method: clinical testing. Allele origin: germline.
Comment: This sequence change replaces lysine, which is basic and polar, with arginine, which is basic and polar, at codon 296 of the FH protein (p.Lys296Arg). This variant is not present in population databases (gnomAD no frequency). This variant has not been reported in the literature in individuals affected with FH-related conditions. ClinVar contains an entry for this variant (Variation ID: 1006723). Invitae Evidence Modeling of protein sequence and biophysical properties (such as structural, functional, and spatial information, amino acid conservation, physicochemical variation, residue mobility, and thermodynamic stability) indicates that this missense variant is not expected to disrupt FH protein function with a negative predictive value of 95%. In summary, the available evidence is currently insufficient to determine the role of this variant in disease. Therefore, it has been classified as a Variant of Uncertain Significance.

Ambry Genetics
Classification: Uncertain significance for Hereditary cancer-predisposing syndrome. Last evaluated: 2025-02-11. Review status: criteria provided, single submitter. Criteria: Ambry Variant Classification Scheme 2023. Collection method: clinical testing. Allele origin: germline.
Comment: The p.K296R variant (also known as c.887A>G), located in coding exon 6 of the FH gene, results from an A to G substitution at nucleotide position 887. The lysine at codon 296 is replaced by arginine, an amino acid with highly similar properties. This amino acid position is conserved. In addition, the in silico prediction for this alteration is inconclusive. Based on the available evidence, the clinical significance of this variant remains unclear.

NM_000143.4(FH):c.887A>G (p.Lys296Arg)

Gene: FH (fumarate hydratase; minus strand). Cytogenetic location: 1q43.
Variant type: single nucleotide variant.
Coding change: c.887A>G on transcript NM_000143.4 (MANE Select); coding-DNA position 887, A replaced by G.
Protein change: p.Lys296Arg; replaces lysine 296 with arginine.
Molecular consequence: missense variant.
Genome position (GRCh38, 1-based): chr1:241,506,020, T>C on the plus strand (A>G on the coding strand, the complement: FH is on the minus strand). VCF-style: chr1-241506020-T-C. GRCh37 (hg19) VCF-style: chr1-241669320-T-C.
Other names: c.887A>G (NM_000143.3); short protein forms K296R.
Identifiers: ClinVar variation 1006723 (VCV001006723.10), dbSNP rs933479705, ClinGen allele CA40328119.